The following is an entry in ClinVar:

NM_006310.4(NPEPPS):c.256-7C>T

Gene: NPEPPS (aminopeptidase puromycin sensitive; plus strand). Cytogenetic location: 17q21.32.
Variant type: single nucleotide variant.
Coding change: c.256-7C>T on transcript NM_006310.4 (MANE Select); 7 bases into the intron before coding-DNA position 256, C replaced by T.
Molecular consequence: intron variant.
Genome position (GRCh38, 1-based): chr17:47,545,902, C>T. VCF-style: chr17-47545902-C-T. GRCh37 (hg19) VCF-style: chr17-45623268-C-T.
Other names: c.244-7C>T (NM_001330257.2); c.256-7C>T (NM_001411130.1).
Identifiers: ClinVar variation 2647875 (VCV002647875.24), dbSNP rs995781040, ClinGen allele CA291235252.

ClinVar aggregate classification (germline): Likely benign (1 of 4 stars; one submission).

Allele frequency attached by ClinVar (database versions not stated): gnomAD exomes 0.00002; gnomAD 0.00003; 1000 Genomes Project 30x 0.00016.
gnomAD v4.1: 29 of 1,539,030 alleles (0.0019%); highest among the groups gnomAD compares: Non-Finnish European, 0.0022%; no homozygotes.

Submission:

CeGaT Center for Human Genetics Tuebingen
Classification: Likely benign. Last evaluated: 2023-03-01. Review status: criteria provided, single submitter. Criteria: CeGaT Center For Human Genetics Tuebingen Variant Classification Criteria Version 2. Collection method: clinical testing. Allele origin: germline. Affected: yes. Observed: 1 variant allele.
Comment: NPEPPS: BP4, BS2